The following is an entry in ClinVar:

NM_006389.5(HYOU1):c.2511G>C (p.Lys837Asn)

Gene: HYOU1 (hypoxia up-regulated 1; minus strand). Cytogenetic location: 11q23.3.
Variant type: single nucleotide variant.
Coding change: c.2511G>C on transcript NM_006389.5 (MANE Select); coding-DNA position 2511, G replaced by C.
Protein change: p.Lys837Asn; replaces lysine 837 with asparagine.
Molecular consequence: missense variant.
Genome position (GRCh38, 1-based): chr11:119,047,818, C>G on the plus strand (G>C on the coding strand, the complement: HYOU1 is on the minus strand). VCF-style: chr11-119047818-C-G. GRCh37 (hg19) VCF-style: chr11-118918530-C-G.
Other names: c.2511G>C, p.Lys837Asn (NM_001130991.3, NM_001411041.1); short protein forms K837N.
Identifiers: ClinVar variation 1985121 (VCV001985121.4), dbSNP rs201472881, ClinGen allele CA229617951.

ClinVar aggregate classification (germline): Uncertain significance (1 of 4 stars; one submission).

gnomAD v4.1: 19 of 1,613,848 alleles (0.0012%); highest among the groups gnomAD compares: African/African-American, 0.008%; no homozygotes.

Submission:

Labcorp Genetics (formerly Invitae), Labcorp
Classification: Uncertain significance. Last evaluated: 2025-08-14. Review status: criteria provided, single submitter. Criteria: Invitae Variant Classification Sherloc (09022015). Collection method: clinical testing. Allele origin: germline.
Comment: This sequence change replaces lysine, which is basic and polar, with asparagine, which is neutral and polar, at codon 837 of the HYOU1 protein (p.Lys837Asn). This variant is present in population databases (rs201472881, gnomAD 0.007%). This variant has not been reported in the literature in individuals affected with HYOU1-related conditions. ClinVar contains an entry for this variant (Variation ID: 1985121). An algorithm developed to predict the effect of missense changes on protein structure and function (PolyPhen-2) suggests that this variant is likely to be tolerated. In summary, the available evidence is currently insufficient to determine the role of this variant in disease. Therefore, it has been classified as a Variant of Uncertain Significance.